The following is an entry in ClinVar:

ClinVar aggregate classification (germline): Uncertain significance (1 of 4 stars; one submission).

Conditions:
Cohen syndrome (COH1). Also called: PEPPER SYNDROME; Cutis verticis gyrata, retinitis pigmentosa, and sensorineural deafness. Identifiers: Orphanet 193, MedGen C0265223, MONDO:0008999, OMIM 216550.

Allele frequency attached by ClinVar (database versions not stated): gnomAD 0.00001; gnomAD exomes 0.00001; TOPMed 0.00002; ExAC 0.00003.

Submission:

Labcorp Genetics (formerly Invitae), Labcorp
Classification: Uncertain significance for Cohen syndrome. Last evaluated: 2021-08-26. Review status: criteria provided, single submitter. Criteria: Invitae Variant Classification Sherloc (09022015). Collection method: clinical testing. Allele origin: germline.
Comment: This variant, c.4320_4322dup, results in the insertion of 1 amino acid(s) to the VPS13B protein (p.Gly1441dup), but otherwise preserves the integrity of the reading frame. This variant is present in population databases (rs746974444, ExAC 0.04%). This variant has not been reported in the literature in individuals affected with VPS13B-related conditions. Experimental studies and prediction algorithms are not available or were not evaluated, and the functional significance of this variant is currently unknown. In summary, the available evidence is currently insufficient to determine the role of this variant in disease. Therefore, it has been classified as a Variant of Uncertain Significance.

NM_152564.5(VPS13B):c.4245_4247dup (p.Gly1416_Thr1417insGly)

Gene: VPS13B (vacuolar protein sorting 13 homolog B; plus strand). Cytogenetic location: 8q22.2.
Variant type: Duplication.
Coding change: c.4245_4247dup on transcript NM_152564.5 (MANE Select); coding-DNA positions 4245 to 4247, 3 bases duplicated (TGG; older notation c.4245_4247dupTGG).
Protein change: p.Gly1416_Thr1417insGly.
Molecular consequence: inframe insertion.
Genome position (GRCh38, 1-based): chr8:99,511,124-99,511,126, TGG duplicated. VCF-style (leftmost placement, unchanged base first): chr8-99511123-A-ATGG. GRCh37 (hg19) VCF-style: chr8-100523351-A-ATGG.
Other names: c.4320_4322dup, p.Gly1441_Thr1442insGly (NM_017890.5).
Identifiers: ClinVar variation 2141431 (VCV002141431.1), dbSNP rs746974444, ClinGen allele CA4823503.